The following is an entry in ClinVar:

ClinVar aggregate classification (germline): Uncertain significance. Review status: criteria provided, multiple submitters, no conflicts (2 of 4 stars). 4 submissions from 4 submitters: Uncertain significance (3). 1 of the submissions does not count toward it. Last evaluated 2025-01-24.

Conditions:
Ehlers-Danlos syndrome, dermatosparaxis type. Also called: EDS VIIC; Dermatosparaxis; Ehlers-Danlos syndrome, type VII, autosomal recessive. Identifiers: Orphanet 1901, MedGen C2700425, MONDO:0009161, OMIM 225410.
Inborn genetic diseases. Identifiers: MedGen C0950123, MeSH D030342.

Allele frequency attached by ClinVar (database versions not stated): gnomAD 0.00001.
gnomAD v4.1: 5 of 1,613,938 alleles (0.00031%); highest among the groups gnomAD compares: Non-Finnish European, 0.00042%; no homozygotes.

Submissions (4):

Ambry Genetics
Classification: Uncertain significance for Inborn genetic diseases. Last evaluated: 2025-01-24. Review status: criteria provided, single submitter. Criteria: Ambry Variant Classification Scheme 2023. Collection method: clinical testing. Allele origin: germline.

Labcorp Genetics (formerly Invitae), Labcorp
Classification: Uncertain significance for Ehlers-Danlos syndrome, dermatosparaxis type. Last evaluated: 2021-12-15. Review status: criteria provided, single submitter. Criteria: Invitae Variant Classification Sherloc (09022015). Collection method: clinical testing. Allele origin: germline.
Comment: This sequence change replaces glutamic acid, which is acidic and polar, with glutamine, which is neutral and polar, at codon 769 of the ADAMTS2 protein (p.Glu769Gln). This variant is not present in population databases (gnomAD no frequency). This variant has not been reported in the literature in individuals affected with ADAMTS2-related conditions. ClinVar contains an entry for this variant (Variation ID: 963496). Algorithms developed to predict the effect of missense changes on protein structure and function (SIFT, PolyPhen-2, Align-GVGD) all suggest that this variant is likely to be disruptive. In summary, the available evidence is currently insufficient to determine the role of this variant in disease. Therefore, it has been classified as a Variant of Uncertain Significance.

Blueprint Genetics
Classification: Uncertain significance. Last evaluated: 2021-01-22. Review status: criteria provided, single submitter. Criteria: ACMG Guidelines, 2015. Collection method: clinical testing. Allele origin: germline.

Natera, Inc.
Classification: Uncertain significance for Ehlers-Danlos syndrome type VIIC. Last evaluated: 2020-06-29. Review status: no assertion criteria provided. Collection method: clinical testing. Allele origin: germline. Not counted in ClinVar's aggregate classification.

NM_014244.5(ADAMTS2):c.2305G>C (p.Glu769Gln)

Gene: ADAMTS2 (ADAM metallopeptidase with thrombospondin type 1 motif 2; minus strand). Cytogenetic location: 5q35.3.
Variant type: single nucleotide variant.
Coding change: c.2305G>C on transcript NM_014244.5 (MANE Select); coding-DNA position 2305, G replaced by C.
Protein change: p.Glu769Gln; replaces glutamic acid 769 with glutamine.
Molecular consequence: missense variant.
Genome position (GRCh38, 1-based): chr5:179,130,084, C>G on the plus strand (G>C on the coding strand, the complement: ADAMTS2 is on the minus strand). VCF-style: chr5-179130084-C-G. GRCh37 (hg19) VCF-style: chr5-178557085-C-G.
Other names: short protein forms E769Q.
Identifiers: ClinVar variation 963496 (VCV000963496.10), dbSNP rs867147371, ClinGen allele CA362424328.
Genomic context (GRCh38, chr5:179,130,084, plus strand): 5'-TGAAGGTTTTGGAACTGGCATCCACGTCATTCTCTTCATTTAAGATGAACTTGCCTGTCT[C>G]CAGGTTCTTGACGGCTGAGAATGGCAAGACCAAGTCCCCCGTTGTGGTCACCCAAGAGCA-3'
Protein context (NP_055059.2, residues 759-779): TSHHLAVKNL[Glu769Gln]TGKFILNEEN